The following is an entry in ClinVar:

NM_021957.4(GYS2):c.1081del (p.Thr361fs)

Gene: GYS2 (glycogen synthase 2; minus strand). Cytogenetic location: 12p12.1.
Variant type: Deletion.
Coding change: c.1081del on transcript NM_021957.4 (MANE Select); coding-DNA position 1081, one base deleted (A; older notation c.1081delA).
Protein change: p.Thr361fs; shifts the reading frame from threonine 361.
Molecular consequence: frameshift variant.
Genome position (GRCh38, 1-based): chr12:21,560,474, T deleted on the plus strand (A on the coding strand, the reverse complement: GYS2 is on the minus strand). VCF-style (leftmost placement, unchanged base first): chr12-21560473-GT-G. GRCh37 (hg19) VCF-style: chr12-21713407-GT-G.
Other names: short protein forms T361fs.
Identifiers: ClinVar variation 667422 (VCV000667422.5), dbSNP rs771205749, ClinGen allele CA6479992.

ClinVar aggregate classification (germline): Pathogenic/Likely pathogenic. Review status: criteria provided, multiple submitters, no conflicts (2 of 4 stars). 2 submissions from 2 submitters: Pathogenic (1); Likely pathogenic (1). Last evaluated 2018-10-11.

Conditions:
Glycogen storage disease. Also called: glycogen storage disorder; Disorder of glycogen metabolism. Identifiers: Orphanet 79201, MedGen C0017919, MONDO:0002412.

Allele frequency attached by ClinVar (database versions not stated): gnomAD exomes below 0.00001 and 0.00001; ExAC 0.00001.

Submissions (2):

GeneDx
Classification: Pathogenic. Last evaluated: 2018-10-11. Review status: criteria provided, single submitter. Criteria: GeneDx Variant Classification (06012015). Collection method: clinical testing. Allele origin: germline. Affected: yes.
Comment: The c.1081delA variant in the GYS2 gene has not been reported previously as a pathogenic variant nor as a benign variant, to our knowledge. The c.1081delA variant causes a frameshift starting with codon Threonine 361, changes this amino acid to a Glutamine residue, and creates a premature Stop codon at position 2 of the new reading frame, denoted p.Thr361GlnfsX2. This variant is predicted to cause loss of normal protein function either through protein truncation or nonsense-mediated mRNA decay. The c.1081delA variant is not observed in large population cohorts (Lek et al., 2016). We interpret c.1081delA as a pathogenic variant.

Laboratory for Molecular Medicine, Mass General Brigham Personalized Medicine
Classification: Likely pathogenic for Glycogen storage disease. Last evaluated: 2018-10-05. Review status: criteria provided, single submitter. Criteria: LMM Criteria. Collection method: clinical testing. Allele origin: germline. Observed: 1 variant allele.
Comment: The p.Thr361GlnfsX2 variant in GYS2 has not been previously reported in individu als with glycogen storage disease type 0 but has been identified in 3/111606 of European chromosomes by the Genome Aggregation Database (gnomAD). This variant is predicted to cause a frameshift, which alter s the protein?s amino acid sequence beginning at position 361 and leads to a pre mature termination codon 2 amino acids downstream. This alteration is then predi cted to lead to a truncated or absent protein. Loss of function of the GYS2 gene is a disease mechanism in autosomal recessive glycogen storage disease type 0. In summary, although additional studies are required to fully establish its cli nical significance, the p.Thr361GlnfsX2 variant is likely pathogenic. ACMG/AMP C riteria applied: PVS1_Strong, PM2.